The following is an entry in ClinVar:

NM_000329.3(RPE65):c.1299T>A (p.Tyr433Ter)

Gene: RPE65 (retinoid isomerohydrolase RPE65; minus strand). Cytogenetic location: 1p31.3.
Variant type: single nucleotide variant.
Coding change: c.1299T>A on transcript NM_000329.3 (MANE Select); coding-DNA position 1299, T replaced by A.
Protein change: p.Tyr433Ter; replaces tyrosine 433 with a stop codon.
Molecular consequence: nonsense.
Genome position (GRCh38, 1-based): chr1:68,431,321, A>T on the plus strand (T>A on the coding strand, the complement: RPE65 is on the minus strand). VCF-style: chr1-68431321-A-T. GRCh37 (hg19) VCF-style: chr1-68897004-A-T.
Other names: c.1191T>A, p.Tyr397Ter (NM_001406853.1); c.1023T>A, p.Tyr341Ter (NM_001406856.1, NM_001406857.1); short protein forms Y341*, Y397*, Y433*.
Identifiers: ClinVar variation 2949883 (VCV002949883.3), dbSNP rs763437650, ClinGen allele CA340742495.

ClinVar aggregate classification (germline): Pathogenic (1 of 4 stars; one submission).

Conditions:
Leber congenital amaurosis 2 (LCA2). Also called: AMAUROSIS CONGENITA OF LEBER II; Autosomal Recessive RPE65-Related Retinal Degeneration. Identifiers: Orphanet 65, MedGen C1859844, MONDO:0008765, OMIM 204100. Disease mechanism: loss of function.
Retinitis pigmentosa 20 (RP20). Identifiers: Orphanet 791, MedGen C3151086, MONDO:0013425, OMIM 613794.

Submission:

Labcorp Genetics (formerly Invitae), Labcorp
Classification: Pathogenic for Leber congenital amaurosis 2; Retinitis pigmentosa 20. Last evaluated: 2023-10-05. Review status: criteria provided, single submitter. Criteria: Invitae Variant Classification Sherloc (09022015). Collection method: clinical testing. Allele origin: germline.
Comment: This sequence change creates a premature translational stop signal (p.Tyr433*) in the RPE65 gene. It is expected to result in an absent or disrupted protein product. Loss-of-function variants in RPE65 are known to be pathogenic (PMID: 9326941, 9501220, 9843205, 18632300). This variant is not present in population databases (gnomAD no frequency). This variant has not been reported in the literature in individuals affected with RPE65-related conditions. For these reasons, this variant has been classified as Pathogenic.

Literature cited by the submitters: PubMed 9326941; PubMed 9501220; PubMed 9843205; PubMed 18632300.